The following is an entry in ClinVar:

ClinVar aggregate classification (germline): Uncertain significance (1 of 4 stars; one submission).

Allele frequency attached by ClinVar (database versions not stated): gnomAD exomes below 0.00001; TOPMed 0.00001.
gnomAD v4.1: 6 of 1,611,992 alleles (0.00037%); highest among the groups gnomAD compares: Admixed American, 0.0017%; no homozygotes.

Submission:

Labcorp Genetics (formerly Invitae), Labcorp
Classification: Uncertain significance. Last evaluated: 2024-10-28. Review status: criteria provided, single submitter. Criteria: Invitae Variant Classification Sherloc (09022015). Collection method: clinical testing. Allele origin: germline.
Comment: This sequence change replaces lysine, which is basic and polar, with arginine, which is basic and polar, at codon 98 of the RUSC2 protein (p.Lys98Arg). The frequency data for this variant in the population databases is considered unreliable, as metrics indicate poor data quality at this position in the gnomAD database. This variant has not been reported in the literature in individuals affected with RUSC2-related conditions. ClinVar contains an entry for this variant (Variation ID: 1513467). An algorithm developed to predict the effect of missense changes on protein structure and function outputs the following: PolyPhen-2: "Benign". The arginine amino acid residue is found in multiple mammalian species, which suggests that this missense change does not adversely affect protein function. In summary, the available evidence is currently insufficient to determine the role of this variant in disease. Therefore, it has been classified as a Variant of Uncertain Significance.

NM_014806.5(RUSC2):c.293A>G (p.Lys98Arg)

Gene: RUSC2 (RUN and SH3 domain containing 2; plus strand). Cytogenetic location: 9p13.3.
Variant type: single nucleotide variant.
Coding change: c.293A>G on transcript NM_014806.5 (MANE Select); coding-DNA position 293, A replaced by G.
Protein change: p.Lys98Arg; replaces lysine 98 with arginine.
Molecular consequence: missense variant. On other transcripts: non-coding transcript variant (1), intron variant (1).
Genome position (GRCh38, 1-based): chr9:35,546,814, A>G. VCF-style: chr9-35546814-A-G. GRCh37 (hg19) VCF-style: chr9-35546811-A-G.
Other names: c.293A>G, p.Lys98Arg (NM_001135999.2); c.-620-8246A>G (NM_001330740.2); short protein forms K98R.
Identifiers: ClinVar variation 1513467 (VCV001513467.6), dbSNP rs1212195553, ClinGen allele CA373326519.